The following is an entry in ClinVar:

NM_014714.4(IFT140):c.4386_4387del (p.Ter1463ArgextTer?)

Gene: IFT140 (intraflagellar transport 140; minus strand). Cytogenetic location: 16p13.3.
Variant type: Deletion.
Coding change: c.4386_4387del on transcript NM_014714.4 (MANE Select); coding-DNA positions 4386 to 4387, 2 bases deleted (CT; older notation c.4386_4387delCT).
Protein change: p.Ter1463ArgextTer?.
Molecular consequence: frameshift variant.
Genome position (GRCh38, 1-based): chr16:1,510,946-1,510,947, AG deleted on the plus strand (CT on the coding strand, the reverse complement: IFT140 is on the minus strand). VCF-style (leftmost placement, unchanged base first): chr16-1510945-CAG-C. GRCh37 (hg19) VCF-style: chr16-1560946-CAG-C.
Identifiers: ClinVar variation 1062882 (VCV001062882.9), dbSNP rs2040120370, ClinGen allele CA2201718331.

ClinVar aggregate classification (germline): Uncertain significance. Review status: criteria provided, multiple submitters, no conflicts (2 of 4 stars). 2 submissions from 2 submitters: Uncertain significance (2). Last evaluated 2020-03-10.

Conditions:
Saldino-Mainzer syndrome (SRTD9). Also called: Renal dysplasia, retinal pigmentary dystrophy, cerebellar ataxia and skeletal dysplasia; CONORENAL SYNDROME; SHORT-RIB THORACIC DYSPLASIA 9 WITHOUT POLYDACTYLY; short-rib thoracic dysplasia 9 with or without polydactyly. Identifiers: Orphanet 140969, MedGen C1849437, MONDO:0009964, OMIM 266920.
Retinitis pigmentosa 80 (RP80). Identifiers: MedGen C4540439, MONDO:0054708, OMIM 617781.
Polycystic kidney disease 9, susceptibility to. Identifiers: MedGen C6012712, MONDO:0976267, OMIM 621164.
Cranioectodermal dysplasia 5. Identifiers: MedGen C6011237, MONDO:0976269, OMIM 621180.

Allele frequency attached by ClinVar (database versions not stated): TOPMed below 0.00001.

Submissions (2):

Labcorp Genetics (formerly Invitae), Labcorp
Classification: Uncertain significance for Saldino-Mainzer syndrome. Last evaluated: 2020-03-10. Review status: criteria provided, single submitter. Criteria: Invitae Variant Classification Sherloc (09022015). Collection method: clinical testing. Allele origin: germline.
Comment: In summary, the available evidence is currently insufficient to determine the role of this variant in disease. Therefore, it has been classified as a Variant of Uncertain Significance. This variant has not been reported in the literature in individuals with IFT140-related conditions. This variant is not present in population databases (ExAC no frequency). This sequence change disrupts the translational stop signal of the IFT140 mRNA. It is expected to extend the length of the IFT140 protein by 55 additional amino acid residues.

Juno Genomics, Hangzhou Juno Genomics, Inc
Classification: Uncertain significance for Polycystic kidney disease 9, susceptibility to; Cranioectodermal dysplasia 5; Retinitis pigmentosa 80; Saldino-Mainzer syndrome. Review status: criteria provided, single submitter. Criteria: ACMG Guidelines, 2015. Collection method: clinical testing. Allele origin: germline.
Comment: Absent from controls (or at extremely low frequency if recessive) in Genome Aggregation Database.;Protein length changes due to in-frame deletions/insertions in a non-repeat region or stop-loss variants.